The following is an entry in ClinVar:

ClinVar aggregate classification (germline): Pathogenic (1 of 4 stars; one submission).

Conditions:
Jeune thoracic dystrophy. Also called: Jeune's syndrome; Chondroectodermal dysplasia-like syndrome; Short-rib thoracic dysplasia; Jeune syndrome; Infantile thoracic dystrophy; Thoracic pelvic phalangeal dystrophy. Identifiers: Orphanet 474, MedGen C0265275, MONDO:0018770.

Submission:

Labcorp Genetics (formerly Invitae), Labcorp
Classification: Pathogenic for Jeune thoracic dystrophy. Last evaluated: 2023-09-04. Review status: criteria provided, single submitter. Criteria: Invitae Variant Classification Sherloc (09022015). Collection method: clinical testing. Allele origin: unknown.
Comment: For these reasons, this variant has been classified as Pathogenic. This variant is a gross deletion of the genomic region encompassing exon(s) 41-47 of the DYNC2H1 gene. This deletion is out-of-frame, and is expected to create a premature termination codon and result in an absent or disrupted protein product. Loss-of-function variants in DYNC2H1 are known to be pathogenic (PMID: 23339108, 32753734, 33755199). This variant has not been reported in the literature in individuals affected with DYNC2H1-related conditions.

Literature cited by the submitters: PubMed 23339108; PubMed 32753734; PubMed 33755199.

NC_000011.9:g.(?_103055605)_(103063013_?)del

Gene: DYNC2H1 (dynein cytoplasmic 2 heavy chain 1; plus strand). Cytogenetic location: 11q22.3.
Variant type: Deletion.
Identifiers: ClinVar variation 3244565 (VCV003244565.1).